The following is an entry in ClinVar:

ClinVar aggregate classification (germline): Uncertain significance (1 of 4 stars; one submission).

Submission:

Labcorp Genetics (formerly Invitae), Labcorp
Classification: Uncertain significance. Last evaluated: 2019-08-25. Review status: criteria provided, single submitter. Criteria: Invitae Variant Classification Sherloc (09022015). Collection method: clinical testing. Allele origin: germline.
Comment: This variant has not been reported in the literature in individuals with ABRAXAS1-related conditions. In summary, the available evidence is currently insufficient to determine the role of this variant in disease. Therefore, it has been classified as a Variant of Uncertain Significance. Experimental studies and prediction algorithms are not available or were not evaluated for this variant, and the functional significance of this variant is currently unknown. This variant results in a copy number gain of the genomic region encompassing exons 1-2 of the ABRAXAS1 gene, which includes the initiator codon. The 5' end of this event is unknown as it extends beyond the assayed region for this gene and therefore may encompass additional genes. The 3' boundary is likely confined to intron 2 of the ABRAXAS1 gene. As the precise location of this event is unknown, it may be in tandem or it may be located elsewhere in the genome.

NC_000004.12:g.(?_83482144)_(83485072_?)dup

Gene: ABRAXAS1 (abraxas 1, BRCA1 A complex subunit; minus strand). Cytogenetic location: 4q21.23.
Variant type: Duplication.
Identifiers: ClinVar variation 833259 (VCV000833259.4).